The following is an entry in ClinVar:

ClinVar aggregate classification (germline): Uncertain significance. Review status: criteria provided, multiple submitters, no conflicts (2 of 4 stars). 3 submissions from 3 submitters: Uncertain significance (2). 1 of the submissions does not count toward it. Last evaluated 2024-07-22.

Conditions:
Congenital dyserythropoietic anemia, type II (CDAN2). Also called: DYSERYTHROPOIETIC ANEMIA, HEMPAS TYPE. Identifiers: Orphanet 98873, MedGen C1306589, MONDO:0009134, OMIM 224100.
Cowden syndrome 7 (CWS7). Identifiers: Orphanet 201, MedGen C4225179, MONDO:0014802, OMIM 616858.
SEC23B-related disorder. Also called: SEC23B-related condition; SEC23B-related disorders.

gnomAD v4.1: 154 of 1,614,032 alleles (0.0095%); highest among the groups gnomAD compares: Middle Eastern, 0.033%; 1 homozygote.

Submissions (3):

Revvity Omics, Revvity
Classification: Uncertain significance. Last evaluated: 2024-07-22. Review status: criteria provided, single submitter. Criteria: ACMG Guidelines, 2015. Collection method: clinical testing. Allele origin: germline.

Labcorp Genetics (formerly Invitae), Labcorp
Classification: Uncertain significance for Congenital dyserythropoietic anemia, type II; Cowden syndrome 7. Last evaluated: 2022-10-25. Review status: criteria provided, single submitter. Criteria: Invitae Variant Classification Sherloc (09022015). Collection method: clinical testing. Allele origin: germline.
Comment: This sequence change replaces alanine, which is neutral and non-polar, with proline, which is neutral and non-polar, at codon 329 of the SEC23B protein (p.Ala329Pro). The frequency data for this variant in the population databases is considered unreliable, as metrics indicate poor data quality at this position in the gnomAD database. This variant has not been reported in the literature in individuals affected with SEC23B-related conditions. Algorithms developed to predict the effect of missense changes on protein structure and function (SIFT, PolyPhen-2, Align-GVGD) all suggest that this variant is likely to be disruptive. In summary, the available evidence is currently insufficient to determine the role of this variant in disease. Therefore, it has been classified as a Variant of Uncertain Significance.

PreventionGenetics, part of Exact Sciences
Classification: Uncertain significance for SEC23B-related condition. Last evaluated: 2024-05-20. Review status: no assertion criteria provided. Collection method: clinical testing. Allele origin: germline. Not counted in ClinVar's aggregate classification.
Comment: The SEC23B c.985G>C variant is predicted to result in the amino acid substitution p.Ala329Pro. To our knowledge, this variant has not been reported in the literature. This variant is reported in 0.0062% of alleles in individuals of European (Non-Finnish) descent in gnomAD. At this time, the clinical significance of this variant is uncertain due to the absence of conclusive functional and genetic evidence.

NM_006363.6(SEC23B):c.985G>C (p.Ala329Pro)

Gene: SEC23B (SEC23 homolog B, COPII component; plus strand). Cytogenetic location: 20p11.23.
Variant type: single nucleotide variant.
Coding change: c.985G>C on transcript NM_006363.6 (MANE Select); coding-DNA position 985, G replaced by C.
Protein change: p.Ala329Pro; replaces alanine 329 with proline.
Molecular consequence: missense variant.
Genome position (GRCh38, 1-based): chr20:18,526,523, G>C. VCF-style: chr20-18526523-G-C. GRCh37 (hg19) VCF-style: chr20-18507167-G-C.
Other names: c.985G>C, p.Ala329Pro (NM_001172745.3, NM_032985.6, NM_032986.5); c.931G>C, p.Ala311Pro (NM_001172746.3); c.985G>C (NM_006363.4); short protein forms A311P, A329P.
Identifiers: ClinVar variation 2102765 (VCV002102765.4), dbSNP rs143417821, ClinGen allele CA9778177.
Genomic context (GRCh38, chr20:18,526,523, plus strand): 5'-AAGATTCCTATTCGTTCTTGGCATGATATTGAGAAAGATAATGCACGATTCATGAAAAAG[G>C]CAACCAAGGTAGGTGCTCTTGGGTATGGGCTGTAATTCTGAAAGCCCATTGTCAGGTTTG-3'
Protein context (NP_006354.2, residues 319-339): EKDNARFMKK[Ala329Pro]TKHYEMLANR